The following is an entry in ClinVar:

NM_000124.4(ERCC6):c.1391G>T (p.Arg464Leu)

Genes: ERCC6 (ERCC excision repair 6, chromatin remodeling factor; minus strand), PGBD3 (piggyBac transposable element derived 3; minus strand). Cytogenetic location: 10q11.23.
Variant type: single nucleotide variant.
Coding change: c.1391G>T on transcript NM_000124.4 (MANE Select); coding-DNA position 1391, G replaced by T.
Protein change: p.Arg464Leu; replaces arginine 464 with leucine.
Molecular consequence: missense variant. On other transcripts: 5 prime UTR variant (1).
Genome position (GRCh38, 1-based): chr10:49,524,039, C>A on the plus strand (G>T on the coding strand, the complement: ERCC6 is on the minus strand). VCF-style: chr10-49524039-C-A. GRCh37 (hg19) VCF-style: chr10-50732085-C-A.
Other names: c.1391G>T, p.Arg464Leu (NM_001277058.2, NM_001277059.2, NM_001346440.2); c.-14G>T (NM_170753.3); short protein forms R464L.
Identifiers: ClinVar variation 1988398 (VCV001988398.4), dbSNP rs371544606, ClinGen allele CA5496334.

ClinVar aggregate classification (germline): Uncertain significance. Review status: criteria provided, multiple submitters, no conflicts (2 of 4 stars). 2 submissions from 2 submitters: Uncertain significance (2). Last evaluated 2025-01-13.

Conditions:
Inborn genetic diseases. Identifiers: MedGen C0950123, MeSH D030342.

Allele frequency attached by ClinVar (database versions not stated): TOPMed 0.00002; ESP Exome Variant Server 0.00008.
gnomAD v4.1: 36 of 1,613,114 alleles (0.0022%); highest among the groups gnomAD compares: Non-Finnish European, 0.0029%; no homozygotes.

Submissions (2):

Labcorp Genetics (formerly Invitae), Labcorp
Classification: Uncertain significance. Last evaluated: 2025-01-13. Review status: criteria provided, single submitter. Criteria: Invitae Variant Classification Sherloc (09022015). Collection method: clinical testing. Allele origin: germline.
Comment: This sequence change replaces arginine, which is basic and polar, with leucine, which is neutral and non-polar, at codon 464 of the ERCC6 protein (p.Arg464Leu). This variant is present in population databases (rs371544606, gnomAD 0.006%). This variant has not been reported in the literature in individuals affected with ERCC6-related conditions. ClinVar contains an entry for this variant (Variation ID: 1988398). Invitae Evidence Modeling of protein sequence and biophysical properties (such as structural, functional, and spatial information, amino acid conservation, physicochemical variation, residue mobility, and thermodynamic stability) has been performed for this missense variant. However, the output from this modeling did not meet the statistical confidence thresholds required to predict the impact of this variant on ERCC6 protein function. In summary, the available evidence is currently insufficient to determine the role of this variant in disease. Therefore, it has been classified as a Variant of Uncertain Significance.

Ambry Genetics
Classification: Uncertain significance for Inborn genetic diseases. Last evaluated: 2024-08-27. Review status: criteria provided, single submitter. Criteria: Ambry Variant Classification Scheme 2023. Collection method: clinical testing. Allele origin: germline.